The following is an entry in ClinVar:

NM_000260.4(MYO7A):c.4153-8C>G

Gene: MYO7A (myosin VIIA; plus strand). Cytogenetic location: 11q13.5.
Variant type: single nucleotide variant.
Coding change: c.4153-8C>G on transcript NM_000260.4 (MANE Select); 8 bases into the intron before coding-DNA position 4153, C replaced by G.
Molecular consequence: intron variant.
Genome position (GRCh38, 1-based): chr11:77,194,346, C>G. VCF-style: chr11-77194346-C-G. GRCh37 (hg19) VCF-style: chr11-76905391-C-G.
Other names: c.4120-8C>G (NM_001369365.1); c.4153-8C>G (NM_001127180.2).
Identifiers: ClinVar variation 179432 (VCV000179432.20), dbSNP rs143216377, ClinGen allele CA184411.

ClinVar aggregate classification (germline): Conflicting classifications of pathogenicity. Review status: criteria provided, conflicting classifications (1 of 4 stars). 7 submissions from 7 submitters: Uncertain significance (1); Likely benign (4). 2 of the submissions do not count toward it. Last evaluated 2026-01-21.

Conditions:
MYO7A-related disorder. Also called: MYO7A-related disorders.
Usher syndrome type 1 (USH1). Also called: RETINITIS PIGMENTOSA AND CONGENITAL DEAFNESS. Identifiers: Orphanet 231169, Orphanet 886, MedGen C1568247, MONDO:0010168, OMIM 276900.
Autosomal recessive nonsyndromic hearing loss 2. Also called: DEAFNESS, AUTOSOMAL RECESSIVE 2; NEUROSENSORY NONSYNDROMIC RECESSIVE DEAFNESS 2. Identifiers: Orphanet 90636, MedGen C1838701, MONDO:0010807, OMIM 600060.
Usher syndrome type 1B (USH1B). Also called: Usher syndrome type IB. Identifiers: MedGen C1848638, MONDO:0700087.

Allele frequency attached by ClinVar (database versions not stated): 1000 Genomes Project 0.00080; 1000 Genomes Project 30x 0.00125.
gnomAD v4.1: 161 of 1,609,776 alleles (0.01%); highest among the groups gnomAD compares: African/African-American, 0.19%; no homozygotes.

Submissions (7):

Labcorp Genetics (formerly Invitae), Labcorp
Classification: Likely benign. Last evaluated: 2026-01-21. Review status: criteria provided, single submitter. Criteria: Invitae Variant Classification Sherloc (09022015). Collection method: clinical testing. Allele origin: germline.

PreventionGenetics, part of Exact Sciences
Classification: Likely benign for MYO7A-related condition. Last evaluated: 2025-11-25. Review status: criteria provided, single submitter. Criteria: ACMG Guidelines, 2015. Collection method: clinical testing. Allele origin: germline.
Comment: This variant is classified as likely benign based on ACMG/AMP sequence variant interpretation guidelines (Richards et al. 2015 PMID: 25741868, with internal and published modifications).

Blueprint Genetics
Classification: Likely benign. Last evaluated: 2024-03-27. Review status: criteria provided, single submitter. Criteria: ACMG Guidelines, 2015. Collection method: clinical testing. Allele origin: germline.

GeneDx
Classification: Uncertain significance. Last evaluated: 2021-08-06. Review status: criteria provided, single submitter. Criteria: GeneDx Variant Classification Process June 2021. Collection method: clinical testing. Allele origin: germline. Affected: yes.
Comment: In-silico analysis, which includes splice predictors and evolutionary conservation, is inconclusive as to whether the variant alters gene splicing. In the absence of RNA/functional studies, the actual effect of this sequence change is unknown.; Has not been previously published as pathogenic or benign to our knowledge

Laboratory for Molecular Medicine, Mass General Brigham Personalized Medicine
Classification: Likely benign. Last evaluated: 2013-11-26. Review status: criteria provided, single submitter. Criteria: LMM Criteria. Collection method: clinical testing. Allele origin: germline. Observed: 1 variant allele.
Comment: 4153-8C>G in intron 31 of MYO7A: This variant has not been previously reported i n individuals with hearing loss but has been identified in 1% (3/298) chromosome s of African descendant by the 1000 Genomes Project (dbSNP rs143216377). This variant is located within the 3' splice consensus, but not the invariant sequence. Computational tools suggest no impact to splicing, though this information is not predictive enough to rule out pathogenicity. In s ummary, this variant is likely benign based upon its high frequency and lack of predicted splicing impact.

Natera, Inc.
Classification: Uncertain significance for Usher syndrome type 1B. Last evaluated: 2020-01-24. Review status: no assertion criteria provided. Collection method: clinical testing. Allele origin: germline. Not counted in ClinVar's aggregate classification.

Counsyl
Classification: Uncertain significance for Usher syndrome type 1; Autosomal recessive nonsyndromic hearing loss 2. Last evaluated: 2017-01-03. Review status: no assertion criteria provided. Collection method: clinical testing. Allele origin: unknown. Not counted in ClinVar's aggregate classification.